The following is an entry in ClinVar:

NM_000138.5(FBN1):c.1468+2T>G

Gene: FBN1 (fibrillin 1; minus strand). Cytogenetic location: 15q21.1.
Variant type: single nucleotide variant.
Coding change: c.1468+2T>G on transcript NM_000138.5 (MANE Select); the canonical splice donor site of the intron after coding-DNA position 1468, T replaced by G.
Molecular consequence: splice donor variant.
Genome position (GRCh38, 1-based): chr15:48,515,385, A>C on the plus strand (T>G on the coding strand, the complement: FBN1 is on the minus strand). VCF-style: chr15-48515385-A-C. GRCh37 (hg19) VCF-style: chr15-48807582-A-C.
Other names: c.1468+2T>G (NM_001406716.1).
Identifiers: ClinVar variation 846428 (VCV000846428.10), dbSNP rs794728167, ClinGen allele CA392343517.
Genomic context (GRCh38, chr15:48,515,385, plus strand): 5'-AGTAGAGTCAAGGAACAGAATTACAACAGACCCTTGGTGCCAACCTAGGATGGATCACGT[A>C]CCAATACACTCCCCACGGAGGTCCAGCTGGAACCCTTTGTTGCACTCACACCGGTAACTC-3'

ClinVar aggregate classification (germline): Pathogenic (1 of 4 stars; one submission).

Conditions:
Familial thoracic aortic aneurysm and aortic dissection (TAAD). Also called: Thoracic aortic aneurysms and dissections. Identifiers: Orphanet 91387, MedGen C4707243, MONDO:0019625.
Marfan syndrome (MFS). Also called: FBN1-Related Marfan Syndrome; Marfan's syndrome; MARFAN SYNDROME, TYPE I; Marfan syndrome type 1; Marfan syndrome, classic. Identifiers: Orphanet 284963, Orphanet 558, MedGen C0024796, MONDO:0007947, OMIM 154700.

Submission:

Labcorp Genetics (formerly Invitae), Labcorp
Classification: Pathogenic for Marfan syndrome; Familial thoracic aortic aneurysm and aortic dissection. Last evaluated: 2019-04-24. Review status: criteria provided, single submitter. Criteria: Invitae Variant Classification Sherloc (09022015). Collection method: clinical testing. Allele origin: germline.
Comment: This sequence change affects a donor splice site in intron 12 of the FBN1 gene. It is expected to disrupt RNA splicing and likely results in an absent or disrupted protein product. Donor and acceptor splice site variants typically lead to a loss of protein function (PMID: 16199547), and loss-of-function variants in FBN1 are known to be pathogenic (PMID: 17657824, 19293843). Algorithms developed to predict the effect of sequence changes on RNA splicing suggest that this variant may disrupt the consensus splice site, but this prediction has not been confirmed by published transcriptional studies. This variant has been observed in individuals affected with clinical features of Marfan syndrome (PMID: 24161884, Invitae). This variant is not present in population databases (ExAC no frequency). For these reasons, this variant has been classified as Pathogenic.

Literature cited by the submitters: PubMed 16199547; PubMed 17657824; PubMed 19293843; PubMed 24161884.